The following is an entry in ClinVar:

NM_000051.4(ATM):c.9136A>G (p.Ser3046Gly)

Genes: ATM (ATM serine/threonine kinase; plus strand), C11orf65 (chromosome 11 open reading frame 65; minus strand). Cytogenetic location: 11q22.3.
Variant type: single nucleotide variant.
Coding change: c.9136A>G on transcript NM_000051.4 (MANE Select); coding-DNA position 9136, A replaced by G.
Protein change: p.Ser3046Gly; replaces serine 3046 with glycine.
Molecular consequence: missense variant. On other transcripts: intron variant (2).
Genome position (GRCh38, 1-based): chr11:108,365,473, A>G. VCF-style: chr11-108365473-A-G. GRCh37 (hg19) VCF-style: chr11-108236200-A-G.
Other names: c.9136A>G, p.Ser3046Gly (NM_001351834.2); c.640+20447T>C (NM_001330368.2); c.694+20447T>C (NM_001351110.2); short protein forms S3046G.
Identifiers: ClinVar variation 478947 (VCV000478947.12), dbSNP rs1555152041, ClinGen allele CA382532092.

ClinVar aggregate classification (germline): Uncertain significance. Review status: criteria provided, multiple submitters, no conflicts (2 of 4 stars). 3 submissions from 3 submitters: Uncertain significance (3). Last evaluated 2022-06-07.

Conditions:
Hereditary cancer-predisposing syndrome. Also called: Neoplastic Syndromes, Hereditary; Hereditary Cancer Syndrome; Tumor predisposition; Hereditary neoplastic syndrome. Identifiers: Orphanet 140162, MedGen C0027672, MeSH D009386, MONDO:0015356.
Ataxia-telangiectasia syndrome (AT). Also called: LOUIS-BAR SYNDROME; Cerebello-oculocutaneous telangiectasia; Immunodeficiency with ataxia telangiectasia; Ataxia-telangiectasia, complementation group D; AT, COMPLEMENTATION GROUP C; Ataxia-telangiectasia, complementation group E. Identifiers: Orphanet 100, MedGen C0004135, MONDO:0008840, OMIM 208900.

Allele frequency attached by ClinVar (database versions not stated): gnomAD exomes below 0.00001.
gnomAD v4.1: 6 of 1,613,820 alleles (0.00037%); highest among the groups gnomAD compares: East Asian, 0.013%; 1 homozygote.

Submissions (3):

Color Diagnostics, LLC DBA Color Health
Classification: Uncertain significance for Hereditary cancer-predisposing syndrome. Last evaluated: 2022-06-07. Review status: criteria provided, single submitter. Criteria: ACMG Guidelines, 2015. Collection method: clinical testing. Allele origin: germline.
Comment: This missense variant replaces serine with glycine at codon 3046 of the ATM protein. Computational prediction is inconclusive regarding the impact of this variant on protein structure and function (internally defined REVEL score threshold 0.5 < inconclusive < 0.7, PMID: 27666373). To our knowledge, functional studies have not been reported for this variant. This variant has not been reported in individuals affected with hereditary cancer in the literature. This variant has not been identified in the general population by the Genome Aggregation Database (gnomAD). The available evidence is insufficient to determine the role of this variant in disease conclusively. Therefore, this variant is classified as a Variant of Uncertain Significance.

Labcorp Genetics (formerly Invitae), Labcorp
Classification: Uncertain significance for Ataxia-telangiectasia syndrome. Last evaluated: 2021-12-24. Review status: criteria provided, single submitter. Criteria: Invitae Variant Classification Sherloc (09022015). Collection method: clinical testing. Allele origin: germline.
Comment: In summary, the available evidence is currently insufficient to determine the role of this variant in disease. Therefore, it has been classified as a Variant of Uncertain Significance. This sequence change replaces serine, which is neutral and polar, with glycine, which is neutral and non-polar, at codon 3046 of the ATM protein (p.Ser3046Gly). This variant is not present in population databases (gnomAD no frequency). This variant has not been reported in the literature in individuals affected with ATM-related conditions. ClinVar contains an entry for this variant (Variation ID: 478947). Algorithms developed to predict the effect of missense changes on protein structure and function (SIFT, PolyPhen-2, Align-GVGD) all suggest that this variant is likely to be disruptive.

Ambry Genetics
Classification: Uncertain significance for Hereditary cancer-predisposing syndrome. Last evaluated: 2021-02-01. Review status: criteria provided, single submitter. Criteria: Ambry Variant Classification Scheme 2023. Collection method: clinical testing. Allele origin: germline.
Comment: The p.S3046G variant (also known as c.9136A>G), located in coding exon 62 of the ATM gene, results from an A to G substitution at nucleotide position 9136. The serine at codon 3046 is replaced by glycine, an amino acid with similar properties. This alteration was observed in with an allele frequency of 0.000 in 7,051 unselected female breast cancer patients and was observed with an allele frequency of 0.00036 in 11,241 female controls of Japanese ancestry. In addition, it was not observed in unselected male breast cancer patients and was observed with an allele frequency of 0.0003 in 12490 male controls of Japanese ancestry (Momozawa Y et al. Nat Commun, 2018 10;9:4083).This amino acid position is highly conserved in available vertebrate species. In addition, the in silico prediction for this alteration is inconclusive. Since supporting evidence is limited at this time, the clinical significance of this alteration remains unclear.

Literature cited by the submitters: PubMed 30287823 (cited by Ambry Genetics).